The following is an entry in ClinVar:

NM_000293.3(PHKB):c.785G>A (p.Trp262Ter)

Gene: PHKB (phosphorylase kinase regulatory subunit beta; plus strand). Cytogenetic location: 16q12.1.
Variant type: single nucleotide variant.
Coding change: c.785G>A on transcript NM_000293.3 (MANE Select); coding-DNA position 785, G replaced by A.
Protein change: p.Trp262Ter; replaces tryptophan 262 with a stop codon.
Molecular consequence: nonsense.
Genome position (GRCh38, 1-based): chr16:47,587,678, G>A. VCF-style: chr16-47587678-G-A. GRCh37 (hg19) VCF-style: chr16-47621589-G-A.
Other names: c.764G>A, p.Trp255Ter (NM_001031835.3); c.785G>A, p.Trp262Ter (NM_001363837.1); short protein forms W255*, W262*.
Identifiers: ClinVar variation 3682697 (VCV003682697.2).
Genomic context (GRCh38, chr16:47,587,678, plus strand): 5'-ACAAGTCTTTTTTCTTAATTTAGGAAATGTTTTTCTTTTTCTCTGTCCAGGGCTGTTCGT[G>A]GTCAGTTATATTTGTGGATCTCGATGCTCACAATCGCAACAGGCAAACTTTGTGCTCGCT-3'

ClinVar aggregate classification (germline): Pathogenic (1 of 4 stars; one submission).

Conditions:
Glycogen storage disease IXb (GSD9B). Also called: GLYCOGENOSIS OF LIVER AND MUSCLE, AUTOSOMAL RECESSIVE; GSD IXb; PHOSPHORYLASE KINASE DEFICIENCY OF LIVER AND MUSCLE, AUTOSOMAL RECESSIVE. Identifiers: Orphanet 79240, MedGen C0543514, MONDO:0009868, OMIM 261750.

gnomAD v4.1: 2 of 1,611,980 alleles (0.00012%); highest among the groups gnomAD compares: African/African-American, 0.0013%; no homozygotes.

Submission:

Labcorp Genetics (formerly Invitae), Labcorp
Classification: Pathogenic for Glycogen storage disease IXb. Last evaluated: 2025-04-03. Review status: criteria provided, single submitter. Criteria: Invitae Variant Classification Sherloc (09022015). Collection method: clinical testing. Allele origin: germline.
Comment: This sequence change creates a premature translational stop signal (p.Trp262*) in the PHKB gene. It is expected to result in an absent or disrupted protein product. Loss-of-function variants in PHKB are known to be pathogenic (PMID: 9215682, 9326319). This variant is not present in population databases (gnomAD no frequency). This variant has not been reported in the literature in individuals affected with PHKB-related conditions. ClinVar contains an entry for this variant (Variation ID: 3682697). Algorithms developed to predict the effect of sequence changes on RNA splicing suggest that this variant may disrupt the consensus splice site. For these reasons, this variant has been classified as Pathogenic.

Literature cited by the submitters: PubMed 9215682; PubMed 9326319.